The following is an entry in ClinVar:

NM_001267550.2(TTN):c.93794CAA[2] (p.Thr31267del)

Genes: TTN (titin; minus strand), TTN-AS1 (TTN antisense RNA 1; plus strand). Cytogenetic location: 2q31.2.
Variant type: Microsatellite.
Coding change: c.93794CAA[2] on transcript NM_001267550.2 (MANE Select); two copies in a row of the 3-base unit CAA starting at c.93794; the reference has three copies in a row; one copy, 3 bases deleted.
Protein change: p.Thr31267del; deletes threonine 31267.
Molecular consequence: inframe deletion.
Genome position (GRCh38, 1-based): chr2:178,547,824-178,547,826, TTG deleted on the plus strand (CAA on the coding strand, the reverse complement: TTN is on the minus strand); deleting any 3 consecutive bases within chr2:178,547,824-178,547,833 gives the same sequence; the position shown is the placement nearest the transcript's 3' end. VCF-style (leftmost placement, unchanged base first): chr2-178547823-TTTG-T. GRCh37 (hg19) VCF-style: chr2-179412550-TTTG-T.
Other names: c.88871CAA[2], p.Thr29626del (NM_001256850.1); c.66599CAA[2], p.Thr22202del (NM_003319.4); c.86090CAA[2], p.Thr28699del (NM_133378.4); c.66974CAA[2], p.Thr22327del (NM_133432.3); c.67175CAA[2], p.Thr22394del (NM_133437.4); c.66605_66607delCAA (NM_003319.4); short protein forms T22327del, T28699del, T22394del, T29626del, T31267del, T22202del.
Identifiers: ClinVar variation 1754736 (VCV001754736.2), dbSNP rs774882356, ClinGen allele CA538435174.

ClinVar aggregate classification (germline): Uncertain significance (1 of 4 stars; one submission).

Conditions:
Cardiovascular phenotype. Identifiers: MedGen CN230736.

Submission:

Ambry Genetics
Classification: Uncertain significance for Cardiovascular phenotype. Last evaluated: 2022-01-27. Review status: criteria provided, single submitter. Criteria: Ambry Variant Classification Scheme 2023. Collection method: clinical testing. Allele origin: germline.
Comment: The c.66605_66607delCAA variant (also known as p.T22202del) is located in coding exon 166 of the TTN gene. This variant results from an in-frame CAA deletion at nucleotide positions 66605 to 66607. This results in the in-frame deletion of a threonine at codon 22202. This amino acid position is well conserved in available vertebrate species. In addition, this alteration is predicted to be deleterious by in silico analysis (Choi Y et al. PLoS ONE. 2012; 7(10):e46688). Since supporting evidence is limited at this time, the clinical significance of this alteration remains unclear.